The following is an entry in ClinVar:

NM_000228.3(LAMB3):c.2088T>A (p.Tyr696Ter)

Gene: LAMB3 (laminin subunit beta 3; minus strand). Cytogenetic location: 1q32.2.
Variant type: single nucleotide variant.
Coding change: c.2088T>A on transcript NM_000228.3 (MANE Select); coding-DNA position 2088, T replaced by A.
Protein change: p.Tyr696Ter; replaces tyrosine 696 with a stop codon.
Molecular consequence: nonsense.
Genome position (GRCh38, 1-based): chr1:209,623,889, A>T on the plus strand (T>A on the coding strand, the complement: LAMB3 is on the minus strand). VCF-style: chr1-209623889-A-T. GRCh37 (hg19) VCF-style: chr1-209797234-A-T.
Other names: c.2088T>A, p.Tyr696Ter (NM_001017402.2, NM_001127641.1); short protein forms Y696*.
Identifiers: ClinVar variation 5012515 (VCV005012515.1).

ClinVar aggregate classification (germline): Pathogenic (1 of 4 stars; one submission).

Conditions:
Junctional epidermolysis bullosa. Identifiers: Orphanet 305, MedGen C0079301, MONDO:0017612.

Submission:

Myriad Genetics, Inc.
Classification: Pathogenic for Junctional epidermolysis bullosa. Last evaluated: 2023-11-23. Review status: criteria provided, single submitter. Criteria: Myriad Autosomal Dominant, Autosomal Recessive and X-Linked Classification Criteria (2023). Collection method: clinical testing. Allele origin: unknown.
Comment: NM_000228.2(LAMB3):c.2088T>A(Y696*) is expected to be pathogenic in the context of junctional epidermolysis bullosa, LAMB3-related. This variant is predicted to lead to an abnormal or absent protein product due to the creation of a premature termination codon in LAMB3, a gene where loss-of-function variants are known to be pathogenic. Please note: this variant was assessed in the context of healthy population screening.